The following is an entry in ClinVar:

ClinVar aggregate classification (germline): Uncertain significance. Review status: criteria provided, multiple submitters, no conflicts (2 of 4 stars). 2 submissions from 2 submitters: Uncertain significance (2). Last evaluated 2024-10-17.

Allele frequency attached by ClinVar (database versions not stated): TOPMed below 0.00001; gnomAD 0.00001; gnomAD exomes 0.00001.

Submissions (2):

Labcorp Genetics (formerly Invitae), Labcorp
Classification: Uncertain significance. Last evaluated: 2024-10-17. Review status: criteria provided, single submitter. Criteria: Invitae Variant Classification Sherloc (09022015). Collection method: clinical testing. Allele origin: germline.
Comment: This sequence change replaces glycine, which is neutral and non-polar, with serine, which is neutral and polar, at codon 52 of the PLA2G5 protein (p.Gly52Ser). This variant is present in population databases (no rsID available, gnomAD 0.06%). This variant has not been reported in the literature in individuals affected with PLA2G5-related conditions. ClinVar contains an entry for this variant (Variation ID: 1908554). An algorithm developed to predict the effect of missense changes on protein structure and function (PolyPhen-2) suggests that this variant is likely to be disruptive. In summary, the available evidence is currently insufficient to determine the role of this variant in disease. Therefore, it has been classified as a Variant of Uncertain Significance.

Blueprint Genetics
Classification: Uncertain significance. Last evaluated: 2022-11-18. Review status: criteria provided, single submitter. Criteria: ACMG Guidelines, 2015. Collection method: clinical testing. Allele origin: germline.

NM_000929.3(PLA2G5):c.154G>A (p.Gly52Ser)

Gene: PLA2G5 (phospholipase A2 group V; plus strand). Cytogenetic location: 1p36.13.
Variant type: single nucleotide variant.
Coding change: c.154G>A on transcript NM_000929.3 (MANE Select); coding-DNA position 154, G replaced by A.
Protein change: p.Gly52Ser; replaces glycine 52 with serine.
Molecular consequence: missense variant.
Genome position (GRCh38, 1-based): chr1:20,086,196, G>A. VCF-style: chr1-20086196-G-A. GRCh37 (hg19) VCF-style: chr1-20412689-G-A.
Other names: short protein forms G52S.
Identifiers: ClinVar variation 1908554 (VCV001908554.6), dbSNP rs1438217452, ClinGen allele CA338819867.